The following is an entry in ClinVar:

NM_001130987.2(DYSF):c.3531C>A (p.Tyr1177Ter)

Gene: DYSF (dysferlin; plus strand). Cytogenetic location: 2p13.2.
Variant type: single nucleotide variant.
Coding change: c.3531C>A on transcript NM_001130987.2 (MANE Select); coding-DNA position 3531, C replaced by A.
Protein change: p.Tyr1177Ter; replaces tyrosine 1177 with a stop codon.
Molecular consequence: nonsense.
Genome position (GRCh38, 1-based): chr2:71,590,245, C>A. VCF-style: chr2-71590245-C-A. GRCh37 (hg19) VCF-style: chr2-71817375-C-A.
Other names: NM_003494.4:c.3477C>A; c.3480C>A, p.Tyr1160Ter (NM_001130455.2, NM_001130983.2); c.3435C>A, p.Tyr1145Ter (NM_001130976.2, NM_001130977.2); c.3477C>A, p.Tyr1159Ter (NM_001130978.2, NM_003494.4); c.3570C>A, p.Tyr1190Ter (NM_001130979.2); c.3528C>A, p.Tyr1176Ter (NM_001130980.2, NM_001130981.2); c.3573C>A, p.Tyr1191Ter (NM_001130982.2); c.3438C>A, p.Tyr1146Ter (NM_001130984.2, NM_001130986.2); and 1 more; short protein forms Y1145*, Y1146*, Y1159*, Y1160*, Y1176*, Y1177*, Y1190*, Y1191*.
Identifiers: ClinVar variation 4528886 (VCV004528886.1).

ClinVar aggregate classification (germline): Pathogenic (3 of 4 stars; one submission).

Conditions:
Autosomal recessive limb-girdle muscular dystrophy. Identifiers: Orphanet 102015, MedGen C2931907, MONDO:0015152.

Submission:

ClinGen Limb Girdle Muscular Dystrophy Variant Curation Expert Panel, ClinGen
Classification: Pathogenic for Autosomal recessive limb-girdle muscular dystrophy. Last evaluated: 2025-07-29. Review status: reviewed by expert panel. Criteria: ClinGen LGMD VCEP ACMG Specifications DYSF V1.0.0. Collection method: curation. Allele origin: germline. Inheritance: Autosomal recessive inheritance.
Comment: The NM_003494.4: c.3477C>A p.(Tyr1159Ter) variant in DYSF, which is also known as NM_001130987.2: c.3531C>A p.(Tyr1177Ter), is a nonsense variant predicted to cause a premature stop codon in biologically relevant exon 32/55, leading to nonsense mediated decay in a gene in which loss of function is an established disease mechanism (PVS1). This variant has been identified in at least two individuals with features consistent with LGMD (PMID: 18853459), including in unknown phase with a pathogenic variant (NM_003494.4: c.5979dup p.(Glu1994ArgfsTer3), 0.5 pts, PMID: 18853459) (PM3_Supporting). At least one patient with this variant and a second presumed diagnostic DYSF variant had a clinical diagnosis of LGMD (Miyoshi myopathy) and severely reduced or absent dysferlin protein expression, which is highly specific for DYSF-related LGMD (PP4_Strong; PMID: 18853459). This variant is absent from gnomAD v4.1.0 (PM2_Supporting). In summary, this variant meets the criteria to be classified as Pathogenic for autosomal recessive limb girdle muscular dystrophy based on the ACMG/AMP criteria applied, as specified by the ClinGen LGMD VCEP (LGMD VCEP specifications version 1.0.0; 07/29/2025): PVS1, PM3_Supporting, PP4_Strong, PM2_Supporting.